The following is an entry in ClinVar:

ClinVar aggregate classification (germline): Pathogenic (1 of 4 stars; one submission).

Conditions:
Neurofibromatosis, type 1 (NF1). Also called: VON RECKLINGHAUSEN DISEASE; NEUROFIBROMATOSIS, TYPE I, SOMATIC; Peripheral type neurofibromatosis; Neurofibromatosis, type I. Identifiers: Orphanet 636, MedGen C0027831, MONDO:0018975, OMIM 162200. Disease mechanism: loss of function.

Submission:

Labcorp Genetics (formerly Invitae), Labcorp
Classification: Pathogenic for Neurofibromatosis, type 1. Last evaluated: 2017-04-21. Review status: criteria provided, single submitter. Criteria: Invitae Variant Classification Sherloc (09022015). Collection method: clinical testing. Allele origin: germline.
Comment: This sequence change deletes 2 nucleotides from exon 36 of the NF1 mRNA (c.4904_4905delCA), causing a frameshift at codon 1635. This creates a premature translational stop signal (p.Thr1635Argfs*5) and is expected to result in an absent or disrupted protein product. While this particular variant has not been reported in the literature, loss-of-function variants in NF1 are known to be pathogenic (PMID: 10712197, 23913538). For these reasons, this variant has been classified as Pathogenic.

NM_001042492.3(NF1):c.4967_4968del (p.Thr1656fs)

Gene: NF1 (neurofibromin 1; plus strand). Cytogenetic location: 17q11.2.
Variant type: Deletion.
Coding change: c.4967_4968del on transcript NM_001042492.3 (MANE Select); coding-DNA positions 4967 to 4968, 2 bases deleted (CA; older notation c.4967_4968delCA).
Protein change: p.Thr1656fs; shifts the reading frame from threonine 1656.
Molecular consequence: frameshift variant.
Genome position (GRCh38, 1-based): chr17:31,325,951-31,325,952, CA deleted; deleting any 2 consecutive bases within chr17:31,325,950-31,325,952 gives the same sequence; the c. name uses the placement nearest the transcript's 3' end. VCF-style (leftmost placement, unchanged base first): chr17-31325949-AAC-A. GRCh37 (hg19) VCF-style: chr17-29652967-AAC-A.
Other names: c.4904_4905delCA (NM_000267.3); c.4904_4905delCA, p.Thr1635Argfs (NM_000267.4); short protein forms T1635fs, T1656fs.
Identifiers: ClinVar variation 457728 (VCV000457728.1), dbSNP rs1555533323, ClinGen allele CA658658545.